The following is an entry in ClinVar:

ClinVar aggregate classification (germline): Likely benign (0 of 4 stars; one submission).

Conditions:
FOXD1-related disorder. Also called: FOXD1-related condition.

Allele frequency attached by ClinVar (database versions not stated): gnomAD exomes 0.00001; gnomAD 0.00004.
gnomAD v4.1: 12 of 1,005,044 alleles (0.0012%); highest among the groups gnomAD compares: African/African-American, 0.002%; 1 homozygote.

Submission:

PreventionGenetics, part of Exact Sciences
Classification: Likely benign for FOXD1-related condition. Last evaluated: 2022-07-12. Review status: no assertion criteria provided. Collection method: clinical testing. Allele origin: germline.
Comment: This variant is classified as likely benign based on ACMG/AMP sequence variant interpretation guidelines (Richards et al. 2015 PMID: 25741868, with internal and published modifications).

NM_004472.3(FOXD1):c.798G>A (p.Pro266=)

Gene: FOXD1 (forkhead box D1; minus strand). Cytogenetic location: 5q13.2.
Variant type: single nucleotide variant.
Coding change: c.798G>A on transcript NM_004472.3 (MANE Select); coding-DNA position 798, G replaced by A.
Protein change: p.Pro266=; no amino-acid change (proline 266 retained).
Molecular consequence: synonymous variant.
Genome position (GRCh38, 1-based): chr5:73,447,565, C>T on the plus strand (G>A on the coding strand, the complement: FOXD1 is on the minus strand). VCF-style: chr5-73447565-C-T. GRCh37 (hg19) VCF-style: chr5-72743390-C-T.
Identifiers: ClinVar variation 3056830 (VCV003056830.2), dbSNP rs1177349530, ClinGen allele CA445096203.